The following is an entry in ClinVar:

ClinVar aggregate classification (germline): Benign (1 of 4 stars; one submission).

Conditions:
Adult-onset autosomal dominant demyelinating leukodystrophy. Identifiers: Orphanet 99027, MedGen C1868512, MONDO:0008215.

Allele frequency attached by ClinVar (database versions not stated): TOPMed 0.00003; gnomAD 0.00004 and 0.00008; gnomAD exomes 0.00011; 1000 Genomes Project 0.00060; 1000 Genomes Project 30x 0.00062.
gnomAD v4.1: 43 of 395,450 alleles (0.011%); highest among the groups gnomAD compares: Middle Eastern, 0.25%; 2 homozygotes.

Submission:

Illumina Laboratory Services, Illumina
Classification: Benign for Leukodystrophy, demyelinating, adult-onset, autosomal dominant, typical. Last evaluated: 2018-01-13. Review status: criteria provided, single submitter. Criteria: ICSL Variant Classification Criteria 13 December 2019. Collection method: clinical testing. Allele origin: germline.
Comment: This variant was observed in the ICSL laboratory as part of a predisposition screen in an ostensibly healthy population. It had not been previously curated by ICSL or reported in the Human Gene Mutation Database (HGMD: prior to June 1st, 2018), and was therefore a candidate for classification through an automated scoring system. Utilizing variant allele frequency, disease prevalence and penetrance estimates, and inheritance mode, an automated score was calculated to assess if this variant is too frequent to cause the disease. Based on the score and internal cut-off values, a variant classified as benign is not then subjected to further curation. The score for this variant resulted in a classification of benign for this disease.

NM_005573.4(LMNB1):c.*518T>C

Gene: LMNB1 (lamin B1; plus strand). Cytogenetic location: 5q23.2.
Variant type: single nucleotide variant.
Coding change: c.*518T>C on transcript NM_005573.4 (MANE Select); 518 bases downstream of the stop codon, T replaced by C.
Molecular consequence: 3 prime UTR variant. On other transcripts: non-coding transcript variant (1).
Genome position (GRCh38, 1-based): chr5:126,836,782, T>C. VCF-style: chr5-126836782-T-C. GRCh37 (hg19) VCF-style: chr5-126172474-T-C.
Other names: c.*518T>C (NM_001198557.2).
Identifiers: ClinVar variation 350625 (VCV000350625.5), dbSNP rs185784874, ClinGen allele CA10620026.